The following is an entry in ClinVar:

NM_005359.6(SMAD4):c.879T>C (p.Pro293=)

Gene: SMAD4 (SMAD family member 4; plus strand). Cytogenetic location: 18q21.2.
Variant type: single nucleotide variant.
Coding change: c.879T>C on transcript NM_005359.6 (MANE Select); coding-DNA position 879, T replaced by C.
Protein change: p.Pro293=; no amino-acid change (proline 293 retained).
Molecular consequence: synonymous variant. On other transcripts: non-coding transcript variant (2).
Genome position (GRCh38, 1-based): chr18:51,058,431, T>C. VCF-style: chr18-51058431-T-C. GRCh37 (hg19) VCF-style: chr18-48584801-T-C.
Other names: c.879T>C, p.Pro293= (NM_001407041.1, NM_001407042.1, NM_001407043.1).
Identifiers: ClinVar variation 3903577 (VCV003903577.1).

ClinVar aggregate classification (germline): Benign (1 of 4 stars; one submission).

Conditions:
Juvenile polyposis/hereditary hemorrhagic telangiectasia syndrome (JPHT). Also called: JP/HHT SYNDROME; JUVENILE POLYPOSIS WITH HEREDITARY HEMORRHAGIC TELANGIECTASIA; POLYPOSIS, GENERALIZED JUVENILE, WITH PULMONARY ARTERIOVENOUS MALFORMATION; TELANGIECTASIA, HEREDITARY HEMORRHAGIC, WITH JUVENILE POLYPOSIS COLI; Juvenile Polyposis Syndrome / Hereditary Hemorrhagic Telangiectasia (JPS/HHT). Identifiers: Orphanet 2929, MedGen C1832942, MONDO:0008278, OMIM 175050.

Submission:

Myriad Genetics, Inc.
Classification: Benign for Juvenile polyposis/hereditary hemorrhagic telangiectasia syndrome. Last evaluated: 2025-03-20. Review status: criteria provided, single submitter. Criteria: Myriad Autosomal Dominant, Autosomal Recessive and X-Linked Classification Criteria (2023). Collection method: clinical testing. Allele origin: unknown.
Comment: This variant is considered benign. This variant is a silent/synonymous amino acid change and it is not expected to impact splicing.